The following is an entry in ClinVar:

NM_182931.3(KMT2E):c.346A>G (p.Thr116Ala)

Gene: KMT2E (lysine methyltransferase 2E (inactive); plus strand). Cytogenetic location: 7q22.3.
Variant type: single nucleotide variant.
Coding change: c.346A>G on transcript NM_182931.3 (MANE Select); coding-DNA position 346, A replaced by G.
Protein change: p.Thr116Ala; replaces threonine 116 with alanine.
Molecular consequence: missense variant.
Genome position (GRCh38, 1-based): chr7:105,063,510, A>G. VCF-style: chr7-105063510-A-G. GRCh37 (hg19) VCF-style: chr7-104703957-A-G.
Other names: c.346A>G, p.Thr116Ala (NM_001410908.1, NM_018682.4); short protein forms T116A.
Identifiers: ClinVar variation 3661765 (VCV003661765.2).

ClinVar aggregate classification (germline): Uncertain significance (1 of 4 stars; one submission).

Submission:

Labcorp Genetics (formerly Invitae), Labcorp
Classification: Uncertain significance. Last evaluated: 2024-08-08. Review status: criteria provided, single submitter. Criteria: Invitae Variant Classification Sherloc (09022015). Collection method: clinical testing. Allele origin: germline.
Comment: This sequence change replaces threonine, which is neutral and polar, with alanine, which is neutral and non-polar, at codon 116 of the KMT2E protein (p.Thr116Ala). This variant is not present in population databases (gnomAD no frequency). This variant has not been reported in the literature in individuals affected with KMT2E-related conditions. Advanced modeling of protein sequence and biophysical properties (such as structural, functional, and spatial information, amino acid conservation, physicochemical variation, residue mobility, and thermodynamic stability) performed at Invitae indicates that this missense variant is not expected to disrupt KMT2E protein function with a negative predictive value of 80%. In summary, the available evidence is currently insufficient to determine the role of this variant in disease. Therefore, it has been classified as a Variant of Uncertain Significance.